The following is an entry in ClinVar:

NM_001232.4(CASQ2):c.339_354del (p.Ser113fs)

Gene: CASQ2 (calsequestrin 2; minus strand). Cytogenetic location: 1p13.1.
Variant type: Deletion.
Coding change: c.339_354del on transcript NM_001232.4 (MANE Select); coding-DNA positions 339 to 354, 16 bases deleted (CCTGTATATTCTTAAG).
Protein change: p.Ser113fs; shifts the reading frame from serine 113.
Molecular consequence: frameshift variant.
Genome position (GRCh38, 1-based): chr1:115,740,794-115,740,809, CTTAAGAATATACAGG deleted on the plus strand (CCTGTATATTCTTAAG on the coding strand, the reverse complement: CASQ2 is on the minus strand); deleting any 16 consecutive bases within chr1:115,740,794-115,740,812 gives the same sequence; the c. name uses the placement nearest the transcript's 3' end. VCF-style (leftmost placement, unchanged base first): chr1-115740793-CCTTAAGAATATACAGG-C. GRCh37 (hg19) VCF-style: chr1-116283414-CCTTAAGAATATACAGG-C.
Other names: c.339_354del (NM_001232.3); c.339_354del16 (NM_001232.3); c.339_354delCCTGTATATTCTTAAG (NM_001232.3); short protein forms S113fs.
Identifiers: ClinVar variation 17611 (VCV000017611.14), dbSNP rs786205106, ClinGen allele CA258047.

ClinVar aggregate classification (germline): Pathogenic. Review status: criteria provided, multiple submitters, no conflicts (2 of 4 stars). 5 submissions from 5 submitters: Pathogenic (4). 1 of the submissions does not count toward it. Last evaluated 2026-05-05.

Conditions:
Cardiovascular phenotype. Identifiers: MedGen CN230736.
Catecholaminergic polymorphic ventricular tachycardia 1. Also called: VENTRICULAR TACHYCARDIA, CATECHOLAMINERGIC POLYMORPHIC, 1, WITH OR WITHOUT ATRIAL DYSFUNCTION AND/OR DILATED CARDIOMYOPATHY; RYR2-Related Catecholaminergic Polymorphic Ventricular Tachycardia; VENTRICULAR TACHYCARDIA, STRESS-INDUCED POLYMORPHIC 1. Identifiers: Orphanet 3286, MedGen C1631597, MONDO:0011484, OMIM 604772.
Catecholaminergic polymorphic ventricular tachycardia 2. Also called: CASQ2-Related Catecholaminergic Polymorphic Ventricular Tachycardia; VENTRICULAR TACHYCARDIA, STRESS-INDUCED POLYMORPHIC 2. Identifiers: Orphanet 3286, MedGen C2677794, MONDO:0012762, OMIM 611938.

Submissions (5):

Ambry Genetics
Classification: Pathogenic for Cardiovascular phenotype. Last evaluated: 2026-05-05. Review status: criteria provided, single submitter. Criteria: Ambry Variant Classification Scheme 2023. Collection method: clinical testing. Allele origin: germline.
Comment: The c.339_354del16 pathogenic mutation, located in coding exon 3 of the CASQ2 gene, results from a deletion of 16 nucleotides at nucleotide positions 339 to 354, causing a translational frameshift with a predicted alternate stop codon (p.S113Rfs*6). This variant has been identified in the homozygous state and/or in conjunction with other CASQ2 variant(s) in individual(s) with features consistent with catecholaminergic polymorphic ventricular tachycardia; in at least one instance, the variants were identified in trans (di Barletta MR et al. Circulation, 2006 Sep;114:1012-9; Ng K et al. Circulation, 2020 Sep;142:932-947). Note, this variant is also referred to as G112+5X in the literature. In an assay testing CASQ2 function, this variant showed a functionally abnormal result (di Barletta MR et al. Circulation, 2006 Sep;114:1012-9). This variant is considered to be rare based on population cohorts in the Genome Aggregation Database. This variant is expected to result in loss of function by premature protein truncation or nonsense-mediated mRNA decay. (gnomAD). As such, this alteration is interpreted as a disease-causing mutation.

Labcorp Genetics (formerly Invitae), Labcorp
Classification: Pathogenic for Catecholaminergic polymorphic ventricular tachycardia 1. Last evaluated: 2024-01-29. Review status: criteria provided, single submitter. Criteria: Invitae Variant Classification Sherloc (09022015). Collection method: clinical testing. Allele origin: germline.
Comment: This sequence change creates a premature translational stop signal (p.Ser113Argfs*6) in the CASQ2 gene. It is expected to result in an absent or disrupted protein product. Loss-of-function variants in CASQ2 are known to be pathogenic (PMID: 12386154). This variant is not present in population databases (gnomAD no frequency). This premature translational stop signal has been observed in individuals with catecholaminergic polymorphic ventricular tachycardia (PMID: 16908766). This variant is also known as G112+5X. ClinVar contains an entry for this variant (Variation ID: 17611). For these reasons, this variant has been classified as Pathogenic.

GeneDx
Classification: Pathogenic. Last evaluated: 2023-11-07. Review status: criteria provided, single submitter. Criteria: GeneDx Variant Classification Process June 2021. Collection method: clinical testing. Allele origin: germline. Affected: yes.
Comment: Not observed at significant frequency in large population cohorts (gnomAD); Frameshift variant predicted to result in protein truncation or nonsense mediated decay in a gene for which loss of function is a known mechanism of disease; Published functional studies in rat myocytes, showed the del16 mutation decreased the sarcoplasmic reticulum Ca2+ storing capacity and reduce the amplitude of calcium currents (PMID: 16908766); This variant is associated with the following publications: (PMID: 18469084, 16908766, 32693635)

Genome-Nilou Lab
Classification: Pathogenic for Catecholaminergic polymorphic ventricular tachycardia 2. Last evaluated: 2023-04-11. Review status: criteria provided, single submitter. Criteria: ACMG Guidelines, 2015. Collection method: clinical testing. Allele origin: germline. Affected: no.

OMIM
Classification: Pathogenic for VENTRICULAR TACHYCARDIA, CATECHOLAMINERGIC POLYMORPHIC, 2. Last evaluated: 2006-09-05. Review status: no assertion criteria provided. Collection method: literature only. Allele origin: germline. Not counted in ClinVar's aggregate classification.

Literature cited by the submitters: PubMed 16908766 (cited by 3 submitters); PubMed 32693635 (cited by Ambry Genetics); PubMed 12386154 (cited by Labcorp Genetics (formerly Invitae), Labcorp).